The following is an entry in ClinVar:

ClinVar aggregate classification (germline): Benign. Review status: criteria provided, multiple submitters, no conflicts (2 of 4 stars). 8 submissions from 8 submitters: Benign (7). 1 of the submissions does not count toward it. Last evaluated 2026-01-28.

Conditions:
P2RX2-related disorder. Also called: P2RX2-related condition.

Allele frequency attached by ClinVar (database versions not stated): 1000 Genomes Project 0.00779; 1000 Genomes Project 30x 0.00843; gnomAD 0.01034 and 0.01040; TOPMed 0.01078; ExAC 0.01096; ESP Exome Variant Server 0.01107; gnomAD exomes 0.01117.
gnomAD v4.1: 23,360 of 1,612,196 alleles (1.4%); highest among the groups gnomAD compares: Non-Finnish European, 1.6%; 156 homozygotes.

Submissions (8):

Labcorp Genetics (formerly Invitae), Labcorp
Classification: Benign. Last evaluated: 2026-01-28. Review status: criteria provided, single submitter. Criteria: Invitae Variant Classification Sherloc (09022015). Collection method: clinical testing. Allele origin: germline.

CeGaT Center for Human Genetics Tuebingen
Classification: Benign. Last evaluated: 2024-03-01. Review status: criteria provided, single submitter. Criteria: CeGaT Center For Human Genetics Tuebingen Variant Classification Criteria Version 2. Collection method: clinical testing. Allele origin: germline. Affected: yes. Observed: 4 variant alleles.
Comment: P2RX2: BP4, BS1, BS2

Mayo Clinic Laboratories, Mayo Clinic
Classification: Benign. Last evaluated: 2022-08-31. Review status: criteria provided, single submitter. Criteria: ACMG Guidelines, 2015. Collection method: clinical testing. Allele origin: germline. Observed: 2 variant alleles.
Comment: BA1, BS1, BS2

Athena Diagnostics
Classification: Benign. Last evaluated: 2018-09-12. Review status: criteria provided, single submitter. Criteria: Athena Diagnostics Criteria. Collection method: clinical testing. Allele origin: germline.

GeneDx
Classification: Benign. Last evaluated: 2018-01-02. Review status: criteria provided, single submitter. Criteria: GeneDx Variant Classification (06012015). Collection method: clinical testing. Allele origin: germline. Affected: yes.
Comment: This variant is considered likely benign or benign based on one or more of the following criteria: it is a conservative change, it occurs at a poorly conserved position in the protein, it is predicted to be benign by multiple in silico algorithms, and/or has population frequency not consistent with disease.

Laboratory for Molecular Medicine, Mass General Brigham Personalized Medicine
Classification: Benign. Last evaluated: 2014-11-24. Review status: criteria provided, single submitter. Criteria: LMM Criteria. Collection method: clinical testing. Allele origin: germline. Observed: 26 variant alleles.
Comment: Ile62Ile in exon 2 of P2RX2: This variant is not expected to have clinical signi ficance because it does not alter an amino acid residue and is not located withi n the splice consensus sequence. It has been identified in 1.5% (133/8600) of Eu ropean American chromosomes from a broad population by the NHLBI Exome Sequencin g Project (dbSNP rs75585377).

Breakthrough Genomics
Classification: Benign. Review status: criteria provided, single submitter. Criteria: ACMG Guidelines, 2015. Collection method: not provided. Allele origin: germline. Inheritance: Autosomal dominant inheritance. Affected: yes.

PreventionGenetics, part of Exact Sciences
Classification: Benign for P2RX2-related condition. Last evaluated: 2019-07-15. Review status: no assertion criteria provided. Collection method: clinical testing. Allele origin: germline. Not counted in ClinVar's aggregate classification.
Comment: This variant is classified as benign based on ACMG/AMP sequence variant interpretation guidelines (Richards et al. 2015 PMID: 25741868, with internal and published modifications).

NM_170682.4(P2RX2):c.186C>T (p.Ile62=)

Gene: P2RX2 (purinergic receptor P2X 2; plus strand). Cytogenetic location: 12q24.33.
Variant type: single nucleotide variant.
Coding change: c.186C>T on transcript NM_170682.4 (MANE Select); coding-DNA position 186, C replaced by T.
Protein change: p.Ile62=; no amino-acid change (isoleucine 62 retained).
Molecular consequence: synonymous variant. On other transcripts: missense variant (1), intron variant (1).
Genome position (GRCh38, 1-based): chr12:132,619,451, C>T. VCF-style: chr12-132619451-C-T. GRCh37 (hg19) VCF-style: chr12-133196037-C-T.
Other names: p.Ile62=; c.186C>T, p.Ile62= (NM_001282164.2, NM_001282165.2, NM_016318.4 and 2 more transcripts); c.118C>T, p.Arg40Cys (NM_012226.5); c.106-393C>T (NM_174872.3); c.118C>T (NM_012226.4); short protein forms R40C.
Identifiers: ClinVar variation 226983 (VCV000226983.43), dbSNP rs75585377, ClinGen allele CA6891391.